The following is an entry in ClinVar:

ClinVar aggregate classification (germline): Likely pathogenic (1 of 4 stars; one submission).

Conditions:
Joubert syndrome 17 (JBTS17). Identifiers: Orphanet 475, MedGen C3553264, MONDO:0013824, OMIM 614615.
Orofaciodigital syndrome type 6 (OFD6). Also called: OFDS VI; POLYDACTYLY, CLEFT LIP/PALATE OR LINGUAL LUMP, AND PSYCHOMOTOR RETARDATION; Oral-facial-digital syndrome type 6; Central polydactyly cleft lip/palate or lingual lump and psychomotor retardation; Y-shaped central metacarpal and cerebellar defect; Joubert syndrome with orofacialdigital anomalies. Identifiers: Orphanet 2754, MedGen C2745997, MONDO:0010176, OMIM 277170.

Submission:

Fulgent Genetics
Classification: Likely pathogenic for Orofaciodigital syndrome type 6; Joubert syndrome 17. Last evaluated: 2021-06-30. Review status: criteria provided, single submitter. Criteria: ACMG Guidelines, 2015. Collection method: clinical testing. Allele origin: unknown.
Comment: This variant has been detected in individual(s) who were sent for testing of Renasight - kidney gene panel.

NM_001384732.1(CPLANE1):c.5337del (p.Ser1780fs)

Gene: CPLANE1 (ciliogenesis and planar polarity effector complex subunit 1; minus strand). Cytogenetic location: 5p13.2.
Variant type: Deletion.
Coding change: c.5337del on transcript NM_001384732.1 (MANE Select); coding-DNA position 5337, one base deleted (C; older notation c.5337delC).
Protein change: p.Ser1780fs; shifts the reading frame from serine 1780.
Molecular consequence: frameshift variant.
Genome position (GRCh38, 1-based): chr5:37,182,844, G deleted on the plus strand (C on the coding strand, the reverse complement: CPLANE1 is on the minus strand); the first of 2 consecutive G bases (chr5:37,182,844-37,182,845); deleting either gives the same sequence. VCF-style (leftmost placement, unchanged base first): chr5-37182843-AG-A. GRCh37 (hg19) VCF-style: chr5-37182945-AG-A.
Other names: c.5337del, p.Ser1780fs (NM_023073.4); short protein forms S1780fs.
Identifiers: ClinVar variation 1179180 (VCV001179180.2), dbSNP rs777045246, ClinGen allele CA3238570.